The following is an entry in ClinVar:

NM_000257.4(MYH7):c.5084C>G (p.Thr1695Arg)

Genes: MHRT (myosin heavy chain associated RNA transcript; plus strand), MYH7 (myosin heavy chain 7; minus strand), LOC126861897 (BRD4-independent group 4 enhancer GRCh37_chr14:23884455-23885654; plus strand). Cytogenetic location: 14q11.2.
Variant type: single nucleotide variant.
Coding change: c.5084C>G on transcript NM_000257.4 (MANE Select); coding-DNA position 5084, C replaced by G.
Protein change: p.Thr1695Arg; replaces threonine 1695 with arginine.
Molecular consequence: missense variant. On other transcripts: non-coding transcript variant (1).
Genome position (GRCh38, 1-based): chr14:23,415,702, G>C on the plus strand (C>G on the coding strand, the complement: MYH7 is on the minus strand). VCF-style: chr14-23415702-G-C. GRCh37 (hg19) VCF-style: chr14-23884911-G-C.
Other names: c.5084C>G, p.Thr1695Arg (NM_001407004.1); short protein forms T1695R.
Identifiers: ClinVar variation 4755658 (VCV004755658.2).

ClinVar aggregate classification (germline): Uncertain significance. Review status: criteria provided, multiple submitters, no conflicts (2 of 4 stars). 2 submissions from 2 submitters: Uncertain significance (2). Last evaluated 2025-08-08.

Submissions (2):

GeneDx
Classification: Uncertain significance. Last evaluated: 2025-08-08. Review status: criteria provided, single submitter. Criteria: GeneDx Variant Classification Process June 2021. Collection method: clinical testing. Allele origin: germline. Affected: yes.
Comment: Not observed at significant frequency in large population cohorts (gnomAD); In silico analysis supports that this missense variant has a deleterious effect on protein structure/function; Has not been previously published as pathogenic or benign to our knowledge

Blueprint Genetics
Classification: Uncertain significance. Last evaluated: 2024-06-12. Review status: criteria provided, single submitter. Criteria: ACMG Guidelines, 2015. Collection method: clinical testing. Allele origin: germline.